The following is an entry in ClinVar:

ClinVar aggregate classification (germline): Uncertain significance (1 of 4 stars; one submission).

gnomAD v4.1: 2 of 1,577,070 alleles (0.00013%); highest among the groups gnomAD compares: Non-Finnish European, 0.00017%; no homozygotes.

Submission:

Dasa
Classification: Uncertain significance. Last evaluated: 2025-06-12. Review status: criteria provided, single submitter. Criteria: DASA Assertion Criteria. Collection method: clinical testing. Allele origin: germline.
Comment: NM_001267550.2(TTN):c.40558+5A>T is a splice-region variant. This variant is rare in population databases. Computational prediction algorithms are consistent with a benign effect. The currently available literature and clinical evidence are not sufficient to establish a definitive association between this variant and the reported condition. Therefore, this variant is classified as a variant of uncertain significance.

NM_001267550.2(TTN):c.40558+5A>T

Gene: TTN (titin; minus strand). Cytogenetic location: 2q31.2.
Variant type: single nucleotide variant.
Coding change: c.40558+5A>T on transcript NM_001267550.2 (MANE Select); 5 bases into the intron after coding-DNA position 40558, A replaced by T.
Molecular consequence: intron variant.
Genome position (GRCh38, 1-based): chr2:178,642,232, T>A on the plus strand (A>T on the coding strand, the complement: TTN is on the minus strand). VCF-style: chr2-178642232-T-A. GRCh37 (hg19) VCF-style: chr2-179506959-T-A.
Other names: c.13363+5A>T (NM_003319.4); c.13939+5A>T (NM_133437.4); c.13738+5A>T (NM_133432.3); c.32854+5A>T (NM_133378.4); c.35635+5A>T (NM_001256850.1).
Identifiers: ClinVar variation 4885324 (VCV004885324.2).